The following is an entry in ClinVar:

NM_006231.4(POLE):c.1396A>G (p.Thr466Ala)

Gene: POLE (DNA polymerase epsilon, catalytic subunit; minus strand). Cytogenetic location: 12q24.33.
Variant type: single nucleotide variant.
Coding change: c.1396A>G on transcript NM_006231.4 (MANE Select); coding-DNA position 1396, A replaced by G.
Protein change: p.Thr466Ala; replaces threonine 466 with alanine.
Molecular consequence: missense variant.
Genome position (GRCh38, 1-based): chr12:132,673,241, T>C on the plus strand (A>G on the coding strand, the complement: POLE is on the minus strand). VCF-style: chr12-132673241-T-C. GRCh37 (hg19) VCF-style: chr12-133249827-T-C.
Other names: c.1396A>G (NM_006231.3); short protein forms T466A.
Identifiers: ClinVar variation 560020 (VCV000560020.14), dbSNP rs761765763, ClinGen allele CA6893967.

ClinVar aggregate classification (germline): Uncertain significance. Review status: criteria provided, multiple submitters, no conflicts (2 of 4 stars). 6 submissions from 6 submitters: Uncertain significance (5). 1 of the submissions does not count toward it. Last evaluated 2026-01-08.

Conditions:
Colorectal cancer, susceptibility to, 12 (CRCS12). Also called: COLORECTAL CANCER, SUSCEPTIBILITY TO, ON CHROMOSOME 12q24. Identifiers: Orphanet 220460, MedGen C3554460, MONDO:0014038, OMIM 615083.
Intrauterine growth retardation, metaphyseal dysplasia, adrenal hypoplasia congenita, genital anomalies, and immunodeficiency. Also called: IMAGEI SYNDROME. Identifiers: MedGen C5193036, MONDO:0032684, OMIM 618336.
Facial dysmorphism-immunodeficiency-livedo-short stature syndrome. Also called: Facial dysmorphism, immunodeficiency, livedo, and short stature; FILS syndrome. Identifiers: Orphanet 352712, MedGen C3554576, MONDO:0014058, OMIM 615139.
Hereditary cancer-predisposing syndrome. Also called: Hereditary neoplastic syndrome; Tumor predisposition; Neoplastic Syndromes, Hereditary; Hereditary Cancer Syndrome. Identifiers: Orphanet 140162, MedGen C0027672, MeSH D009386, MONDO:0015356.
Colon cancer. Also called: Malignant tumor of colon. Identifiers: MedGen C0007102, MONDO:0021063, HP:0003003.

Allele frequency attached by ClinVar (database versions not stated): TOPMed below 0.00001; gnomAD exomes 0.00001; ExAC 0.00002.
gnomAD v4.1: 4 of 1,613,430 alleles (0.00025%); highest among the groups gnomAD compares: East Asian, 0.0067%; no homozygotes.

Submissions (6):

Ambry Genetics
Classification: Uncertain significance for Hereditary cancer-predisposing syndrome. Last evaluated: 2026-01-08. Review status: criteria provided, single submitter. Criteria: Ambry Variant Classification Scheme 2023. Collection method: clinical testing. Allele origin: germline.
Comment: The p.T466A variant (also known as c.1396A>G), located in coding exon 14 of the POLE gene, results from an A to G substitution at nucleotide position 1396. The threonine at codon 466 is replaced by alanine, an amino acid with similar properties. This amino acid position is highly conserved in available vertebrate species. In addition, this alteration is predicted to be deleterious by in silico analysis. Based on the available evidence, the clinical significance of this alteration remains unclear.

Labcorp Genetics (formerly Invitae), Labcorp
Classification: Uncertain significance. Last evaluated: 2025-06-05. Review status: criteria provided, single submitter. Criteria: Invitae Variant Classification Sherloc (09022015). Collection method: clinical testing. Allele origin: germline.
Comment: This sequence change replaces threonine, which is neutral and polar, with alanine, which is neutral and non-polar, at codon 466 of the POLE protein (p.Thr466Ala). This variant is present in population databases (rs761765763, gnomAD 0.01%). This variant has not been reported in the literature in individuals affected with POLE-related conditions. ClinVar contains an entry for this variant (Variation ID: 560020). Invitae Evidence Modeling of protein sequence and biophysical properties (such as structural, functional, and spatial information, amino acid conservation, physicochemical variation, residue mobility, and thermodynamic stability) indicates that this missense variant is expected to disrupt POLE protein function with a positive predictive value of 80%. In summary, the available evidence is currently insufficient to determine the role of this variant in disease. Therefore, it has been classified as a Variant of Uncertain Significance.

Baylor Genetics
Classification: Uncertain significance for Colorectal cancer, susceptibility to, 12. Last evaluated: 2023-08-01. Review status: criteria provided, single submitter. Criteria: ACMG Guidelines, 2015. Collection method: clinical testing. Allele origin: unknown.

Blueprint Genetics
Classification: Uncertain significance. Last evaluated: 2022-10-20. Review status: criteria provided, single submitter. Criteria: ACMG Guidelines, 2015. Collection method: clinical testing. Allele origin: germline.

Department of Pathology and Laboratory Medicine, Sinai Health System
Classification: Uncertain significance for Colorectal cancer, susceptibility to, 12; Facial dysmorphism-immunodeficiency-livedo-short stature syndrome; Intrauterine growth retardation, metaphyseal dysplasia, adrenal hypoplasia congenita, genital anomalies, and immunodeficiency. Last evaluated: 2020-10-07. Review status: criteria provided, single submitter. Criteria: ACMG Guidelines, 2015. Collection method: clinical testing. Allele origin: germline. Affected: no.

3DMed Clinical Laboratory Inc
Classification: Uncertain significance for Colon cancer. Last evaluated: 2017-06-15. Review status: no assertion criteria provided. Criteria: ACMG Guidelines, 2015. Collection method: clinical testing. Allele origin: germline. Affected: yes. Not counted in ClinVar's aggregate classification.